The following is an entry in ClinVar:

NM_003923.3(FOXH1):c.182G>T (p.Arg61Leu)

Gene: FOXH1 (forkhead box H1; minus strand). Cytogenetic location: 8q24.3.
Variant type: single nucleotide variant.
Coding change: c.182G>T on transcript NM_003923.3 (MANE Select); coding-DNA position 182, G replaced by T.
Protein change: p.Arg61Leu; replaces arginine 61 with leucine.
Molecular consequence: missense variant.
Genome position (GRCh38, 1-based): chr8:144,475,254, C>A on the plus strand (G>T on the coding strand, the complement: FOXH1 is on the minus strand). VCF-style: chr8-144475254-C-A. GRCh37 (hg19) VCF-style: chr8-145700637-C-A.
Other names: short protein forms R61L.
Identifiers: ClinVar variation 2129004 (VCV002129004.4), dbSNP rs138436343, ClinGen allele CA372725753.

ClinVar aggregate classification (germline): Uncertain significance (1 of 4 stars; one submission).

Conditions:
Holoprosencephaly sequence (HPE). Also called: Holoprosencephaly. Identifiers: Orphanet 2162, MedGen C0079541, MONDO:0016296, HP:0001360.

gnomAD v4.1: 3 of 1,612,538 alleles (0.00019%); highest among the groups gnomAD compares: East Asian, 0.0045%; no homozygotes.

Submission:

Labcorp Genetics (formerly Invitae), Labcorp
Classification: Uncertain significance for Holoprosencephaly sequence. Last evaluated: 2023-11-27. Review status: criteria provided, single submitter. Criteria: Invitae Variant Classification Sherloc (09022015). Collection method: clinical testing. Allele origin: germline.
Comment: This sequence change replaces arginine, which is basic and polar, with leucine, which is neutral and non-polar, at codon 61 of the FOXH1 protein (p.Arg61Leu). This variant is present in population databases (no rsID available, gnomAD 0.02%). This variant has not been reported in the literature in individuals affected with FOXH1-related conditions. ClinVar contains an entry for this variant (Variation ID: 2129004). Advanced modeling of protein sequence and biophysical properties (such as structural, functional, and spatial information, amino acid conservation, physicochemical variation, residue mobility, and thermodynamic stability) performed at Invitae indicates that this missense variant is not expected to disrupt FOXH1 protein function with a negative predictive value of 80%. In summary, the available evidence is currently insufficient to determine the role of this variant in disease. Therefore, it has been classified as a Variant of Uncertain Significance.